The following is an entry in ClinVar:

ClinVar aggregate classification (germline): Conflicting classifications of pathogenicity. Review status: criteria provided, conflicting classifications (1 of 4 stars). 6 submissions from 6 submitters: Uncertain significance (2); Likely benign (2). 2 of the submissions do not count toward it. Last evaluated 2026-05-19.

Conditions:
COL7A1-related disorder. Also called: COL7A1-related condition; COL7A1- related disorders.
Epidermolysis bullosa dystrophica. Also called: Dystrophic epidermolysis bullosa, Hallopeau-Siemens type (formerly); Dystrophic epidermolysis bullosa. Identifiers: Orphanet 303, MedGen C0079294, MONDO:0006543.

Allele frequency attached by ClinVar (database versions not stated): ESP Exome Variant Server 0.00031; 1000 Genomes Project 30x 0.00125; 1000 Genomes Project 0.00140.
gnomAD v4.1: 205 of 1,613,734 alleles (0.013%); highest among the groups gnomAD compares: African/African-American, 0.17%; 2 homozygotes.

Submissions (6):

PreventionGenetics, part of Exact Sciences
Classification: Uncertain significance for COL7A1-related condition. Last evaluated: 2026-05-19. Review status: criteria provided, single submitter. Criteria: ACMG Guidelines, 2015. Collection method: clinical testing. Allele origin: germline.
Comment: The COL7A1 c.8539C>T variant is predicted to result in the amino acid substitution p.Pro2847Ser. To our knowledge, this variant has not been reported in the literature. This variant is reported in 0.13% of alleles in individuals of African descent in gnomAD, which is likely too common for an undocumented disease-causing variant. Although we suspect that this variant may be benign, at this time, the clinical significance of this variant is uncertain due to the absence of conclusive functional and genetic evidence.

CeGaT Center for Human Genetics Tuebingen
Classification: Uncertain significance. Last evaluated: 2026-02-01. Review status: criteria provided, single submitter. Criteria: CeGaT Center For Human Genetics Tuebingen Variant Classification Criteria Version 2. Collection method: clinical testing. Allele origin: germline. Affected: yes. Observed: 3 variant alleles.

Labcorp Genetics (formerly Invitae), Labcorp
Classification: Likely benign. Last evaluated: 2026-01-26. Review status: criteria provided, single submitter. Criteria: Invitae Variant Classification Sherloc (09022015). Collection method: clinical testing. Allele origin: germline.

Breakthrough Genomics
Classification: Likely benign. Review status: criteria provided, single submitter. Criteria: ACMG Guidelines, 2015. Collection method: not provided. Allele origin: germline. Inheritance: Autosomal recessive inheritance. Affected: yes.

Natera, Inc.
Classification: Likely benign for Dystrophic epidermolysis bullosa. Last evaluated: 2020-08-01. Review status: no assertion criteria provided. Collection method: clinical testing. Allele origin: germline. Not counted in ClinVar's aggregate classification.

Department of Pathology and Laboratory Medicine, Sinai Health System
Classification: Uncertain significance. Review status: no assertion criteria provided. Collection method: clinical testing. Allele origin: unknown. Affected: yes. Study: The Canadian Open Genetics Repository (COGR). Not counted in ClinVar's aggregate classification.
Comment: The COL7A1 p.Pro2847Ser variant was not identified in the literature nor was it identified in ClinVar or LOVD 3.0. The variant was identified in dbSNP (ID: rs140041143) and in control databases in 54 of 281580 chromosomes (1 homozygous) at a frequency of 0.0001918 (Genome Aggregation Database March 6, 2019, v2.1.1). The variant was observed in the following populations: African in 33 of 24756 chromosomes (freq: 0.001333), Other in 5 of 7208 chromosomes (freq: 0.000694), Latino in 4 of 35318 chromosomes (freq: 0.000113), European (non-Finnish) in 10 of 128604 chromosomes (freq: 0.000078) and South Asian in 2 of 30414 chromosomes (freq: 0.000066), but was not observed in the Ashkenazi Jewish, East Asian, or European (Finnish) populations. The p.Pro2847 residue is not conserved in mammals and computational analyses (PolyPhen-2, SIFT, AlignGVGD, BLOSUM, MutationTaster) provide inconsistent predictions regarding the impact to the protein; this information is not very predictive of pathogenicity. The variant occurs outside of the splicing consensus sequence and in silico or computational prediction software programs (SpliceSiteFinder, MaxEntScan, NNSPLICE, GeneSplicer) do not predict a difference in splicing. In summary, based on the above information the clinical significance of this variant cannot be determined with certainty at this time. This variant is classified as a variant of uncertain significance.

NM_000094.4(COL7A1):c.8539C>T (p.Pro2847Ser)

Gene: COL7A1 (collagen type VII alpha 1 chain; minus strand). Cytogenetic location: 3p21.31.
Variant type: single nucleotide variant.
Coding change: c.8539C>T on transcript NM_000094.4 (MANE Select); coding-DNA position 8539, C replaced by T.
Protein change: p.Pro2847Ser; replaces proline 2847 with serine.
Molecular consequence: missense variant.
Genome position (GRCh38, 1-based): chr3:48,565,190, G>A on the plus strand (C>T on the coding strand, the complement: COL7A1 is on the minus strand). VCF-style: chr3-48565190-G-A. GRCh37 (hg19) VCF-style: chr3-48602623-G-A.
Other names: c.8539C>T (NM_000094.3); short protein forms P2847S.
Identifiers: ClinVar variation 1050618 (VCV001050618.35), dbSNP rs140041143, ClinGen allele CA2377946.